The following is an entry in ClinVar:

ClinVar aggregate classification (germline): Pathogenic (1 of 4 stars; one submission).

Conditions:
Familial cancer of breast. Also called: hereditary breast carcinoma; BREAST CANCER, FAMILIAL; Hereditary breast cancer. Identifiers: Orphanet 227535, MedGen C0346153, MONDO:0016419, OMIM 114480. Disease mechanism: loss of function.

Submission:

Myriad Genetics, Inc.
Classification: Pathogenic for Familial cancer of breast. Last evaluated: 2024-08-20. Review status: criteria provided, single submitter. Criteria: Myriad Autosomal Dominant, Autosomal Recessive and X-Linked Classification Criteria (2023). Collection method: clinical testing. Allele origin: unknown.
Comment: This variant is considered pathogenic. This variant creates a frameshift predicted to result in premature protein truncation.

NM_000051.4(ATM):c.6376dup (p.Glu2126fs)

Genes: ATM (ATM serine/threonine kinase; plus strand), C11orf65 (chromosome 11 open reading frame 65; minus strand). Cytogenetic location: 11q22.3.
Variant type: Duplication.
Coding change: c.6376dup on transcript NM_000051.4 (MANE Select); coding-DNA position 6376, one base duplicated (G; older notation c.6376dupG).
Protein change: p.Glu2126fs; shifts the reading frame from glutamic acid 2126.
Molecular consequence: frameshift variant. On other transcripts: intron variant (2).
Genome position (GRCh38, 1-based): chr11:108,319,982, G duplicated. VCF-style (leftmost placement, unchanged base first): chr11-108319981-T-TG. GRCh37 (hg19) VCF-style: chr11-108190708-T-TG.
Other names: c.6376dup, p.Glu2126fs (NM_001351834.2); c.641-10911dup (NM_001330368.2); c.*39-10911dup (NM_001351110.2); short protein forms E2126fs.
Identifiers: ClinVar variation 3379267 (VCV003379267.1).